The following is an entry in ClinVar:

NM_003995.4(NPR2):c.3064G>T (p.Asp1022Tyr)

Genes: NPR2 (natriuretic peptide receptor 2; plus strand), SPAG8 (sperm associated antigen 8; minus strand). Cytogenetic location: 9p13.3.
Variant type: single nucleotide variant.
Coding change: c.3064G>T on transcript NM_003995.4 (MANE Select); coding-DNA position 3064, G replaced by T.
Protein change: p.Asp1022Tyr; replaces aspartic acid 1022 with tyrosine.
Molecular consequence: missense variant. On other transcripts: intron variant (2).
Genome position (GRCh38, 1-based): chr9:35,809,233, G>T. VCF-style: chr9-35809233-G-T. GRCh37 (hg19) VCF-style: chr9-35809230-G-T.
Other names: c.3073G>T, p.Asp1025Tyr (NM_001378923.1); c.1201-927C>A (NM_001366760.2); c.1372+171C>A (NM_172312.2); short protein forms D1022Y, D1025Y.
Identifiers: ClinVar variation 4782915 (VCV004782915.1).

ClinVar aggregate classification (germline): Uncertain significance (1 of 4 stars; one submission).

Conditions:
Acromesomelic dysplasia 1, Maroteaux type (AMD1). Also called: ST. HELENA DYSPLASIA; ACROMESOMELIC DYSPLASIA 1. Identifiers: Orphanet 40, MedGen C1864356, MONDO:0011275, OMIM 602875.
Tall stature-scoliosis-macrodactyly of the great toes syndrome. Also called: Epiphyseal chondrodysplasia, miura type. Identifiers: Orphanet 329191, MedGen C4014690, MONDO:0014401, OMIM 615923.

Submission:

Labcorp Genetics (formerly Invitae), Labcorp
Classification: Uncertain significance for Tall stature-scoliosis-macrodactyly of the great toes syndrome; Acromesomelic dysplasia 1, Maroteaux type. Last evaluated: 2025-12-23. Review status: criteria provided, single submitter. Criteria: Invitae Variant Classification Sherloc (09022015). Collection method: clinical testing. Allele origin: germline.
Comment: This sequence change replaces aspartic acid, which is acidic and polar, with tyrosine, which is neutral and polar, at codon 1022 of the NPR2 protein (p.Asp1022Tyr). This variant is not present in population databases (gnomAD no frequency). This variant has not been reported in the literature in individuals affected with NPR2-related conditions. Invitae Evidence Modeling of protein sequence and biophysical properties (such as structural, functional, and spatial information, amino acid conservation, physicochemical variation, residue mobility, and thermodynamic stability) indicates that this missense variant is not expected to disrupt NPR2 protein function with a negative predictive value of 80%. Algorithms developed to predict the effect of sequence changes on RNA splicing suggest that this variant may disrupt the consensus splice site. In summary, the available evidence is currently insufficient to determine the role of this variant in disease. Therefore, it has been classified as a Variant of Uncertain Significance.